The following is an entry in ClinVar:

ClinVar aggregate classification (germline): Uncertain significance (1 of 4 stars; one submission).

Submission:

GeneDx
Classification: Uncertain significance. Last evaluated: 2022-05-20. Review status: criteria provided, single submitter. Criteria: GeneDx Variant Classification Process June 2021. Collection method: clinical testing. Allele origin: germline. Affected: yes.
Comment: Frameshift variant predicted to result in protein truncation or nonsense mediated decay in a gene or region of a gene for which loss of function is not a well-established mechanism of disease; Not observed at significant frequency in large population cohorts (gnomAD); Has not been previously published as pathogenic or benign to our knowledge; Variants in candidate genes are classified as variants of uncertain significance in accordance with ACMG guidelines (Richards et al., 2015)

NM_001357.5(DHX9):c.1506_1507del (p.Ile502fs)

Gene: DHX9 (DExH-box helicase 9; plus strand). Cytogenetic location: 1q25.3.
Variant type: Deletion.
Coding change: c.1506_1507del on transcript NM_001357.5 (MANE Select); coding-DNA positions 1506 to 1507, 2 bases deleted (TC; older notation c.1506_1507delTC).
Protein change: p.Ile502fs; shifts the reading frame from isoleucine 502.
Molecular consequence: frameshift variant. On other transcripts: non-coding transcript variant (1).
Genome position (GRCh38, 1-based): chr1:182,866,992-182,866,993, TC deleted. VCF-style (leftmost placement, unchanged base first): chr1-182866991-TTC-T. GRCh37 (hg19) VCF-style: chr1-182836126-TTC-T.
Other names: short protein forms I502fs.
Identifiers: ClinVar variation 2579535 (VCV002579535.1), dbSNP rs2526401906, ClinGen allele CA2580617941.